The following is an entry in ClinVar:

NM_006734.4(HIVEP2):c.4813G>C (p.Val1605Leu)

Gene: HIVEP2 (HIVEP zinc finger 2; minus strand). Cytogenetic location: 6q24.2.
Variant type: single nucleotide variant.
Coding change: c.4813G>C on transcript NM_006734.4 (MANE Select); coding-DNA position 4813, G replaced by C.
Protein change: p.Val1605Leu; replaces valine 1605 with leucine.
Molecular consequence: missense variant.
Genome position (GRCh38, 1-based): chr6:142,769,926, C>G on the plus strand (G>C on the coding strand, the complement: HIVEP2 is on the minus strand). VCF-style: chr6-142769926-C-G. GRCh37 (hg19) VCF-style: chr6-143091063-C-G.
Other names: short protein forms V1605L.
Identifiers: ClinVar variation 710327 (VCV000710327.36), dbSNP rs202211977, ClinGen allele CA4028003.

ClinVar aggregate classification (germline): Benign. Review status: criteria provided, multiple submitters, no conflicts (2 of 4 stars). 3 submissions from 3 submitters: Benign (2). 1 of the submissions does not count toward it. Last evaluated 2026-09-01.

Conditions:
HIVEP2-related disorder. Also called: HIVEP2-related condition.

Allele frequency attached by ClinVar (database versions not stated): gnomAD 0.00045; TOPMed 0.00065; ESP Exome Variant Server 0.00079; gnomAD exomes 0.00233; 1000 Genomes Project 0.00240; 1000 Genomes Project 30x 0.00265; ExAC 0.00266.
gnomAD v4.1: 2,016 of 1,614,078 alleles (0.12%); highest among the groups gnomAD compares: South Asian, 1.2%; 29 homozygotes.

Submissions (3):

CeGaT Center for Human Genetics Tuebingen
Classification: Benign. Last evaluated: 2026-09-01. Review status: criteria provided, single submitter. Criteria: CeGaT Center For Human Genetics Tuebingen Variant Classification Criteria Version 2. Collection method: clinical testing. Allele origin: germline. Affected: yes. Observed: 11 variant alleles.
Comment: HIVEP2: BP4, BS1, BS2

Labcorp Genetics (formerly Invitae), Labcorp
Classification: Benign. Last evaluated: 2026-02-03. Review status: criteria provided, single submitter. Criteria: Invitae Variant Classification Sherloc (09022015). Collection method: clinical testing. Allele origin: germline.

PreventionGenetics, part of Exact Sciences
Classification: Benign for HIVEP2-related condition. Last evaluated: 2019-04-26. Review status: no assertion criteria provided. Collection method: clinical testing. Allele origin: germline. Not counted in ClinVar's aggregate classification.
Comment: This variant is classified as benign based on ACMG/AMP sequence variant interpretation guidelines (Richards et al. 2015 PMID: 25741868, with internal and published modifications).